The following is an entry in ClinVar:

ClinVar aggregate classification (germline): Likely benign. Review status: criteria provided, single submitter (1 of 4 stars). 2 submissions from 2 submitters: Likely benign (1). 1 of the submissions does not count toward it. Last evaluated 2024-10-11.

Conditions:
NTN1-related disorder. Also called: NTN1-related condition.

Allele frequency attached by ClinVar (database versions not stated): gnomAD exomes 0.00011; ExAC 0.00027; ESP Exome Variant Server 0.00039; gnomAD 0.00059; TOPMed 0.00072; 1000 Genomes Project 0.00120; 1000 Genomes Project 30x 0.00125.
gnomAD v4.1: 268 of 1,568,094 alleles (0.017%); highest among the groups gnomAD compares: African/African-American, 0.14%; no homozygotes.

Submissions (2):

Blueprint Genetics
Classification: Likely benign. Last evaluated: 2024-10-11. Review status: criteria provided, single submitter. Criteria: ACMG Guidelines, 2015. Collection method: clinical testing. Allele origin: germline.

PreventionGenetics, part of Exact Sciences
Classification: Likely benign for NTN1-related condition. Last evaluated: 2019-08-15. Review status: no assertion criteria provided. Collection method: clinical testing. Allele origin: germline. Not counted in ClinVar's aggregate classification.
Comment: This variant is classified as likely benign based on ACMG/AMP sequence variant interpretation guidelines (Richards et al. 2015 PMID: 25741868, with internal and published modifications).

NM_004822.3(NTN1):c.732C>G (p.Ala244=)

Gene: NTN1 (netrin 1; plus strand). Cytogenetic location: 17p13.1.
Variant type: single nucleotide variant.
Coding change: c.732C>G on transcript NM_004822.3 (MANE Select); coding-DNA position 732, C replaced by G.
Protein change: p.Ala244=; no amino-acid change (alanine 244 retained).
Molecular consequence: synonymous variant.
Genome position (GRCh38, 1-based): chr17:9,023,105, C>G. VCF-style: chr17-9023105-C-G. GRCh37 (hg19) VCF-style: chr17-8926422-C-G.
Identifiers: ClinVar variation 3033710 (VCV003033710.3), dbSNP rs144535726, ClinGen allele CA8381040.